The following is an entry in ClinVar:

ClinVar aggregate classification (germline): Uncertain significance (1 of 4 stars; one submission).

Conditions:
Argininosuccinate lyase deficiency. Also called: Argininosuccinic aciduria; ARGININOSUCCINIC ACID LYASE DEFICIENCY; ASL DEFICIENCY. Identifiers: Orphanet 23, MedGen C0268547, MONDO:0008815, OMIM 207900, HP:0025630.

Submission:

Labcorp Genetics (formerly Invitae), Labcorp
Classification: Uncertain significance for Argininosuccinate lyase deficiency. Last evaluated: 2022-07-12. Review status: criteria provided, single submitter. Criteria: Invitae Variant Classification Sherloc (09022015). Collection method: clinical testing. Allele origin: germline.
Comment: This sequence change replaces cysteine, which is neutral and slightly polar, with phenylalanine, which is neutral and non-polar, at codon 249 of the ASL protein (p.Cys249Phe). This variant is not present in population databases (gnomAD no frequency). This variant has not been reported in the literature in individuals affected with ASL-related conditions. ClinVar contains an entry for this variant (Variation ID: 1522608). Advanced modeling of protein sequence and biophysical properties (such as structural, functional, and spatial information, amino acid conservation, physicochemical variation, residue mobility, and thermodynamic stability) performed at Invitae indicates that this missense variant is expected to disrupt ASL protein function. In summary, the available evidence is currently insufficient to determine the role of this variant in disease. Therefore, it has been classified as a Variant of Uncertain Significance.

NM_000048.4(ASL):c.746G>T (p.Cys249Phe)

Gene: ASL (argininosuccinate lyase; plus strand). Cytogenetic location: 7q11.21.
Variant type: single nucleotide variant.
Coding change: c.746G>T on transcript NM_000048.4 (MANE Select); coding-DNA position 746, G replaced by T.
Protein change: p.Cys249Phe; replaces cysteine 249 with phenylalanine.
Molecular consequence: missense variant.
Genome position (GRCh38, 1-based): chr7:66,088,834, G>T. VCF-style: chr7-66088834-G-T. GRCh37 (hg19) VCF-style: chr7-65553821-G-T.
Other names: c.746G>T, p.Cys249Phe (NM_001024943.2, NM_001024944.2); c.668G>T, p.Cys223Phe (NM_001024946.2); short protein forms C249F, C223F.
Identifiers: ClinVar variation 1522608 (VCV001522608.8), dbSNP rs2115739143, ClinGen allele CA367645147.